The following is an entry in ClinVar:

NM_152617.4(RNF168):c.1166A>G (p.Lys389Arg)

Gene: RNF168 (ring finger protein 168; minus strand). Cytogenetic location: 3q29.
Variant type: single nucleotide variant.
Coding change: c.1166A>G on transcript NM_152617.4 (MANE Select); coding-DNA position 1166, A replaced by G.
Protein change: p.Lys389Arg; replaces lysine 389 with arginine.
Molecular consequence: missense variant.
Genome position (GRCh38, 1-based): chr3:196,472,369, T>C on the plus strand (A>G on the coding strand, the complement: RNF168 is on the minus strand). VCF-style: chr3-196472369-T-C. GRCh37 (hg19) VCF-style: chr3-196199240-T-C.
Other names: short protein forms K389R.
Identifiers: ClinVar variation 2197404 (VCV002197404.2), dbSNP rs558476180, ClinGen allele CA2780713.

ClinVar aggregate classification (germline): Uncertain significance (1 of 4 stars; one submission).

Allele frequency attached by ClinVar (database versions not stated): gnomAD exomes 0.00001; ExAC 0.00002; TOPMed 0.00002; gnomAD 0.00003; 1000 Genomes Project 30x 0.00016; 1000 Genomes Project 0.00020.
gnomAD v4.1: 19 of 1,614,096 alleles (0.0012%); highest among the groups gnomAD compares: African/African-American, 0.0027%; no homozygotes.

Submission:

Labcorp Genetics (formerly Invitae), Labcorp
Classification: Uncertain significance. Last evaluated: 2022-03-14. Review status: criteria provided, single submitter. Criteria: Invitae Variant Classification Sherloc (09022015). Collection method: clinical testing. Allele origin: germline.
Comment: In summary, the available evidence is currently insufficient to determine the role of this variant in disease. Therefore, it has been classified as a Variant of Uncertain Significance. Algorithms developed to predict the effect of missense changes on protein structure and function output the following: SIFT: "Tolerated"; PolyPhen-2: "Benign"; Align-GVGD: "Class C0". The arginine amino acid residue is found in multiple mammalian species, which suggests that this missense change does not adversely affect protein function. This variant has not been reported in the literature in individuals affected with RNF168-related conditions. This variant is present in population databases (rs558476180, gnomAD 0.005%). This sequence change replaces lysine, which is basic and polar, with arginine, which is basic and polar, at codon 389 of the RNF168 protein (p.Lys389Arg).